The following is an entry in ClinVar:

NM_032531.4(KIRREL3):c.1176C>T (p.Asp392=)

Gene: KIRREL3 (kirre like nephrin family adhesion molecule 3; minus strand). Cytogenetic location: 11q24.2.
Variant type: single nucleotide variant.
Coding change: c.1176C>T on transcript NM_032531.4 (MANE Select); coding-DNA position 1176, C replaced by T.
Protein change: p.Asp392=; no amino-acid change (aspartic acid 392 retained).
Molecular consequence: synonymous variant.
Genome position (GRCh38, 1-based): chr11:126,445,055, G>A on the plus strand (C>T on the coding strand, the complement: KIRREL3 is on the minus strand). VCF-style: chr11-126445055-G-A. GRCh37 (hg19) VCF-style: chr11-126314950-G-A.
Other names: c.1176C>T, p.Asp392= (NM_001161707.2, NM_001301097.2).
Identifiers: ClinVar variation 3058194 (VCV003058194.2), dbSNP rs373178047, ClinGen allele CA6356002.

ClinVar aggregate classification (germline): Likely benign (0 of 4 stars; one submission).

Conditions:
KIRREL3-related disorder. Also called: KIRREL3-related condition.

Allele frequency attached by ClinVar (database versions not stated): gnomAD 0.00005; ExAC 0.00024; ESP Exome Variant Server 0.00016; TOPMed 0.00017; gnomAD exomes 0.00005.
gnomAD v4.1: 83 of 1,613,864 alleles (0.0051%); highest among the groups gnomAD compares: Admixed American, 0.12%; no homozygotes.

Submission:

PreventionGenetics, part of Exact Sciences
Classification: Likely benign for KIRREL3-related condition. Last evaluated: 2019-03-07. Review status: no assertion criteria provided. Collection method: clinical testing. Allele origin: germline.
Comment: This variant is classified as likely benign based on ACMG/AMP sequence variant interpretation guidelines (Richards et al. 2015 PMID: 25741868, with internal and published modifications).